The following is an entry in ClinVar:

ClinVar aggregate classification (germline): Pathogenic. Review status: criteria provided, multiple submitters, no conflicts (2 of 4 stars). 3 submissions from 3 submitters: Pathogenic (3). Last evaluated 2025-01-16.

Conditions:
Breast-ovarian cancer, familial, susceptibility to, 2 (BROVCA2). Also called: BRCA2 Hereditary Breast and Ovarian Cancer. Identifiers: Orphanet 145, MedGen C2675520, MONDO:0012933, OMIM 612555. Disease mechanism: loss of function.
Hereditary cancer-predisposing syndrome. Also called: Neoplastic Syndromes, Hereditary; Tumor predisposition; Hereditary Cancer Syndrome; Hereditary neoplastic syndrome. Identifiers: Orphanet 140162, MedGen C0027672, MeSH D009386, MONDO:0015356.
Hereditary breast ovarian cancer syndrome. Also called: Hereditary breast and ovarian cancer syndrome; Breast and ovarian cancer; Hereditary breast and ovarian cancer; Hereditary breast and/or ovarian cancer syndrome; BRCA1- and BRCA2-Associated Hereditary Breast and Ovarian Cancer; Hereditary breast and ovarian cancer syndrome (HBOC). Identifiers: Orphanet 145, MedGen C0677776, MeSH D061325, MONDO:0003582. Disease mechanism: loss of function.

Submissions (3):

Myriad Genetics, Inc.
Classification: Pathogenic for Breast-ovarian cancer, familial, susceptibility to, 2. Last evaluated: 2025-01-16. Review status: criteria provided, single submitter. Criteria: Myriad Autosomal Dominant, Autosomal Recessive and X-Linked Classification Criteria (2023). Collection method: clinical testing. Allele origin: unknown.
Comment: This variant is considered pathogenic. This variant creates a termination codon and is predicted to result in premature protein truncation.

Labcorp Genetics (formerly Invitae), Labcorp
Classification: Pathogenic for Hereditary breast ovarian cancer syndrome. Last evaluated: 2023-01-16. Review status: criteria provided, single submitter. Criteria: Invitae Variant Classification Sherloc (09022015). Collection method: clinical testing. Allele origin: germline.
Comment: This sequence change creates a premature translational stop signal (p.Gln1361*) in the BRCA2 gene. It is expected to result in an absent or disrupted protein product. Loss-of-function variants in BRCA2 are known to be pathogenic (PMID: 20104584). For these reasons, this variant has been classified as Pathogenic. ClinVar contains an entry for this variant (Variation ID: 1737638). This variant has not been reported in the literature in individuals affected with BRCA2-related conditions. This variant is not present in population databases (gnomAD no frequency).

Ambry Genetics
Classification: Pathogenic for Hereditary cancer-predisposing syndrome. Last evaluated: 2022-04-11. Review status: criteria provided, single submitter. Criteria: Ambry Variant Classification Scheme 2023. Collection method: clinical testing. Allele origin: germline.
Comment: The p.Q1361* pathogenic mutation (also known as c.4081C>T), located in coding exon 10 of the BRCA2 gene, results from a C to T substitution at nucleotide position 4081. This changes the amino acid from a glutamine to a stop codon within coding exon 10. This variant was reported in 1/60,466 breast cancer cases and in 0/53,461 controls (Dorling et al. N Engl J Med. 2021 02;384:428-439). In addition to the clinical data presented in the literature, this alteration is expected to result in loss of function by premature protein truncation or nonsense-mediated mRNA decay. As such, this alteration is interpreted as a disease-causing mutation.

Literature cited by the submitters: PubMed 20104584 (cited by Labcorp Genetics (formerly Invitae), Labcorp); PubMed 33471991 (cited by Ambry Genetics).

NM_000059.4(BRCA2):c.4081C>T (p.Gln1361Ter)

Gene: BRCA2 (BRCA2 DNA repair associated; plus strand). Cytogenetic location: 13q13.1.
Variant type: single nucleotide variant.
Coding change: c.4081C>T on transcript NM_000059.4 (MANE Select); coding-DNA position 4081, C replaced by T.
Protein change: p.Gln1361Ter; replaces glutamine 1361 with a stop codon.
Molecular consequence: nonsense.
Genome position (GRCh38, 1-based): chr13:32,338,436, C>T. VCF-style: chr13-32338436-C-T. GRCh37 (hg19) VCF-style: chr13-32912573-C-T.
Other names: c.4081C>T, p.Gln1361Ter (NM_001406719.1, NM_001406720.1); short protein forms Q1361*.
Identifiers: ClinVar variation 1737638 (VCV001737638.6), dbSNP rs587780652, ClinGen allele CA247506459.